The following is an entry in ClinVar:

NM_007078.3(LDB3):c.94-294T>C

Gene: LDB3 (LIM domain binding 3; plus strand). Cytogenetic location: 10q23.2.
Variant type: single nucleotide variant.
Coding change: c.94-294T>C on transcript NM_007078.3 (MANE Select); 294 bases into the intron before coding-DNA position 94, T replaced by C.
Molecular consequence: intron variant.
Genome position (GRCh38, 1-based): chr10:86,679,073, T>C. VCF-style: chr10-86679073-T-C. GRCh37 (hg19) VCF-style: chr10-88438830-T-C.
Other names: c.94-294T>C (NM_001368064.1, NM_001368063.1, NM_001368068.1 and 8 more transcripts).
Identifiers: ClinVar variation 683604 (VCV000683604.2), dbSNP rs112790021, ClinGen allele CA13197976.

ClinVar aggregate classification (germline): Benign. Review status: criteria provided, multiple submitters, no conflicts (2 of 4 stars). 2 submissions from 2 submitters: Benign (2). Last evaluated 2018-06-16.

Allele frequency attached by ClinVar (database versions not stated): gnomAD 0.04915 and 0.05044; TOPMed 0.05816; 1000 Genomes Project 30x 0.07058; 1000 Genomes Project 0.07069.
gnomAD v4.1: 7,679 of 152,200 alleles (5%); highest among the groups gnomAD compares: Admixed American, 12%; 315 homozygotes.

Submissions (2):

GeneDx
Classification: Benign. Last evaluated: 2018-06-16. Review status: criteria provided, single submitter. Criteria: GeneDx Variant Classification (06012015). Collection method: clinical testing. Allele origin: germline. Affected: yes.
Comment: This variant is considered likely benign or benign based on one or more of the following criteria: it is a conservative change, it occurs at a poorly conserved position in the protein, it is predicted to be benign by multiple in silico algorithms, and/or has population frequency not consistent with disease.

Breakthrough Genomics
Classification: Benign. Review status: criteria provided, single submitter. Criteria: ACMG Guidelines, 2015. Collection method: not provided. Allele origin: germline. Inheritance: Autosomal dominant inheritance. Affected: yes.